The following is an entry in ClinVar:

ClinVar aggregate classification (germline): Uncertain significance (1 of 4 stars; one submission).

Conditions:
Inborn genetic diseases. Identifiers: MedGen C0950123, MeSH D030342.

gnomAD v4.1: 1 of 1,593,316 alleles (0.000063%); highest among the groups gnomAD compares: South Asian, 0.0011%; no homozygotes.

Submission:

Ambry Genetics
Classification: Uncertain significance for Inborn genetic diseases. Last evaluated: 2026-03-02. Review status: criteria provided, single submitter. Criteria: Ambry Variant Classification Scheme 2023. Collection method: clinical testing. Allele origin: germline.
Comment: The p.I108V variant (also known as c.322A>G), located in coding exon 3 of the BMPR2 gene, results from an A to G substitution at nucleotide position 322. The isoleucine at codon 108 is replaced by valine, an amino acid with highly similar properties. This amino acid position is conserved. In addition, the in silico prediction for this alteration is inconclusive. Based on the available evidence, the clinical significance of this variant remains unclear.

NM_001204.7(BMPR2):c.322A>G (p.Ile108Val)

Gene: BMPR2 (bone morphogenetic protein receptor type 2; plus strand). Cytogenetic location: 2q33.1.
Variant type: single nucleotide variant.
Coding change: c.322A>G on transcript NM_001204.7 (MANE Select); coding-DNA position 322, A replaced by G.
Protein change: p.Ile108Val; replaces isoleucine 108 with valine.
Molecular consequence: missense variant.
Genome position (GRCh38, 1-based): chr2:202,467,593, A>G. VCF-style: chr2-202467593-A-G. GRCh37 (hg19) VCF-style: chr2-203332316-A-G.
Other names: short protein forms I108V.
Identifiers: ClinVar variation 4827187 (VCV004827187.1).